The following is an entry in ClinVar:

NM_024120.5(NDUFAF5):c.165_166del (p.Lys56fs)

Genes: NDUFAF5 (NADH:ubiquinone oxidoreductase complex assembly factor 5; plus strand), LOC130065433 (ATAC-STARR-seq lymphoblastoid active region 17552; plus strand). Cytogenetic location: 20p12.1.
Variant type: Deletion.
Coding change: c.165_166del on transcript NM_024120.5 (MANE Select); coding-DNA positions 165 to 166, 2 bases deleted (GA; older notation c.165_166delGA).
Protein change: p.Lys56fs; shifts the reading frame from lysine 56.
Molecular consequence: frameshift variant. On other transcripts: 5 prime UTR variant (3), non-coding transcript variant (7).
Genome position (GRCh38, 1-based): chr20:13,785,233-13,785,234, GA deleted; deleting any 2 consecutive bases within chr20:13,785,232-13,785,234 gives the same sequence; the c. name uses the placement nearest the transcript's 3' end. VCF-style (leftmost placement, unchanged base first): chr20-13785231-CAG-C. GRCh37 (hg19) VCF-style: chr20-13765877-CAG-C.
Other names: c.165_166delGA (NM_024120.4); c.165_166del, p.Lys56fs (NM_001039375.3, NM_001352408.2); c.-203_-202del (NM_001352403.2); c.-417_-416del (NM_001352406.2); c.-531_-530del (NM_001352407.2); short protein forms K56fs.
Identifiers: ClinVar variation 2676976 (VCV002676976.6), dbSNP rs758513858, ClinGen allele CA9767598.
Genomic context (GRCh38, chr20:13,785,231, plus strand): 5'-CCCCGCGGTAGCACCTCGCCCAGAACCCTGAATATTTTCGACCGGGATTTGAAAAGGAAA[CAG>C]AAGAACTGGGCAGCCCGGCAGCCCGAGCCGACCAAATTTGACTACCTGAAGGAGGAGGTG-3'

ClinVar aggregate classification (germline): Pathogenic/Likely pathogenic. Review status: criteria provided, multiple submitters, no conflicts (2 of 4 stars). 4 submissions from 4 submitters: Pathogenic (1); Likely pathogenic (3). Last evaluated 2024-03-22.

Conditions:
Mitochondrial complex I deficiency. Also called: NADH:Q(1) OXIDOREDUCTASE DEFICIENCY. Identifiers: Orphanet 2609, MedGen C1838979, MeSH C537475, MONDO:0100133.
Mitochondrial complex I deficiency, nuclear type 16. Also called: Mitochondrial complex 1 deficiency, nuclear type 16. Identifiers: MedGen C4748785, MONDO:0032621, OMIM 618238.

Submissions (4):

Natera, Inc.
Classification: Likely pathogenic for Mitochondrial complex I deficiency. Last evaluated: 2024-03-22. Review status: criteria provided, single submitter. Criteria: Natera Variant Classification Schema (03/2026). Collection method: clinical testing. Allele origin: germline.
Comment: The c.165_166delGA variant in NDUFAF5 is a frameshift variant predicted to shift the reading frame beginning at codon 56 and leads to a stop codon 13 codons downstream. This variant is expected to result in nonsense mediated decay, truncation, or a dysfunctional protein product. This variant is rare in the general population with a frequency below the threshold expected for the associated phenotype(s). Given the available evidence, this variant is classified as Likely Pathogenic.

Fulgent Genetics
Classification: Likely pathogenic for Mitochondrial complex I deficiency, nuclear type 16. Last evaluated: 2024-03-11. Review status: criteria provided, single submitter. Criteria: ACMG Guidelines, 2015. Collection method: clinical testing. Allele origin: germline.

Labcorp Genetics (formerly Invitae), Labcorp
Classification: Pathogenic. Last evaluated: 2023-11-19. Review status: criteria provided, single submitter. Criteria: Invitae Variant Classification Sherloc (09022015). Collection method: clinical testing. Allele origin: germline.
Comment: This sequence change creates a premature translational stop signal (p.Lys56Glufs*13) in the NDUFAF5 gene. It is expected to result in an absent or disrupted protein product. Loss-of-function variants in NDUFAF5 are known to be pathogenic (PMID: 26275793, 30473481, 32918965). This variant is present in population databases (rs758513858, gnomAD 0.0009%). This variant has not been reported in the literature in individuals affected with NDUFAF5-related conditions. For these reasons, this variant has been classified as Pathogenic.

Baylor Genetics
Classification: Likely pathogenic for Mitochondrial complex I deficiency, nuclear type 16. Last evaluated: 2023-06-19. Review status: criteria provided, single submitter. Criteria: ACMG Guidelines, 2015. Collection method: clinical testing. Allele origin: unknown.

Literature cited by the submitters: PubMed 26275793 (cited by Labcorp Genetics (formerly Invitae), Labcorp); PubMed 30473481 (cited by Labcorp Genetics (formerly Invitae), Labcorp); PubMed 32918965 (cited by Labcorp Genetics (formerly Invitae), Labcorp).